The following is an entry in ClinVar:

NM_000751.3(CHRND):c.1252C>T (p.Arg418Cys)

Gene: CHRND (cholinergic receptor nicotinic delta subunit; plus strand). Cytogenetic location: 2q37.1.
Variant type: single nucleotide variant.
Coding change: c.1252C>T on transcript NM_000751.3 (MANE Select); coding-DNA position 1252, C replaced by T.
Protein change: p.Arg418Cys; replaces arginine 418 with cysteine.
Molecular consequence: missense variant.
Genome position (GRCh38, 1-based): chr2:232,534,135, C>T. VCF-style: chr2-232534135-C-T. GRCh37 (hg19) VCF-style: chr2-233398845-C-T.
Other names: c.1207C>T, p.Arg403Cys (NM_001256657.2); c.670C>T, p.Arg224Cys (NM_001311195.2); c.949C>T, p.Arg317Cys (NM_001311196.2); short protein forms R317C, R418C, R224C, R403C.
Identifiers: ClinVar variation 2778891 (VCV002778891.3), dbSNP rs148415132, ClinGen allele CA2168298.

ClinVar aggregate classification (germline): Uncertain significance (1 of 4 stars; one submission).

Conditions:
Lethal multiple pterygium syndrome (LMPS). Identifiers: Orphanet 33108, MedGen C1854678, MONDO:0009668, OMIM 253290.

Allele frequency attached by ClinVar (database versions not stated): ExAC 0.00002; gnomAD exomes 0.00003; gnomAD 0.00005; TOPMed 0.00005; ESP Exome Variant Server 0.00015.
gnomAD v4.1: 47 of 1,613,920 alleles (0.0029%); highest among the groups gnomAD compares: East Asian, 0.0045%; no homozygotes.

Submission:

Labcorp Genetics (formerly Invitae), Labcorp
Classification: Uncertain significance for Lethal multiple pterygium syndrome. Last evaluated: 2025-10-27. Review status: criteria provided, single submitter. Criteria: Invitae Variant Classification Sherloc (09022015). Collection method: clinical testing. Allele origin: germline.
Comment: This sequence change replaces arginine, which is basic and polar, with cysteine, which is neutral and slightly polar, at codon 418 of the CHRND protein (p.Arg418Cys). This variant is present in population databases (rs148415132, gnomAD 0.01%). This variant has not been reported in the literature in individuals affected with CHRND-related conditions. ClinVar contains an entry for this variant (Variation ID: 2778891). An algorithm developed to predict the effect of missense changes on protein structure and function outputs the following: PolyPhen-2: "Benign". The cysteine amino acid residue is found in multiple mammalian species, which suggests that this missense change does not adversely affect protein function. In summary, the available evidence is currently insufficient to determine the role of this variant in disease. Therefore, it has been classified as a Variant of Uncertain Significance.